The following is an entry in ClinVar:

ClinVar aggregate classification (germline): Benign/Likely benign. Review status: criteria provided, multiple submitters, no conflicts (2 of 4 stars). 8 submissions from 6 submitters: Benign (5); Likely benign (3). Last evaluated 2025-12-08.

Conditions:
Amyotrophic lateral sclerosis type 4 (ALS4). Also called: AMYOTROPHIC LATERAL SCLEROSIS 4, JUVENILE; NEURONOPATHY, DISTAL HEREDITARY MOTOR, WITH PYRAMIDAL FEATURES. Identifiers: Orphanet 357043, MedGen C1865409, MONDO:0011223, OMIM 602433.
Spinocerebellar ataxia, autosomal recessive, with axonal neuropathy 2 (SCAN2). Also called: Ataxia-ocular apraxia-2; Ataxia with Oculomotor Apraxia; ATAXIA-OCULOMOTOR APRAXIA 2; Ataxia with Oculomotor Apraxia Type 2. Identifiers: Orphanet 64753, MedGen C1853761, MONDO:0018996, OMIM 606002.

Allele frequency attached by ClinVar (database versions not stated): gnomAD 0.00007 and 0.00033; TOPMed 0.00008; gnomAD exomes 0.00018 and 0.00083; ExAC 0.00026; 1000 Genomes Project 30x 0.00187; 1000 Genomes Project 0.00240.
gnomAD v4.1: 1,229 of 1,614,192 alleles (0.076%); highest among the groups gnomAD compares: East Asian, 2.7%; 31 homozygotes.

Submissions (8):

Labcorp Genetics (formerly Invitae), Labcorp
Classification: Benign for Amyotrophic lateral sclerosis type 4; Spinocerebellar ataxia, autosomal recessive, with axonal neuropathy 2. Last evaluated: 2025-12-08. Review status: criteria provided, single submitter. Criteria: Invitae Variant Classification Sherloc (09022015). Collection method: clinical testing. Allele origin: germline.

Mayo Clinic Laboratories, Mayo Clinic
Classification: Benign. Last evaluated: 2025-05-07. Review status: criteria provided, single submitter. Criteria: ACMG Guidelines, 2015. Collection method: clinical testing. Allele origin: germline. Observed: 1 variant allele.
Comment: BS1, BS2, BP4_moderate

Blueprint Genetics
Classification: Benign. Last evaluated: 2023-05-30. Review status: criteria provided, single submitter. Criteria: ACMG Guidelines, 2015. Collection method: clinical testing. Allele origin: germline.

Genome-Nilou Lab
Classification: Likely benign for Spinocerebellar ataxia, autosomal recessive, with axonal neuropathy 2. Last evaluated: 2023-02-08. Review status: criteria provided, single submitter. Criteria: ACMG Guidelines, 2015. Collection method: clinical testing. Allele origin: germline.

Genome-Nilou Lab
Classification: Likely benign for Amyotrophic lateral sclerosis type 4. Last evaluated: 2023-02-08. Review status: criteria provided, single submitter. Criteria: ACMG Guidelines, 2015. Collection method: clinical testing. Allele origin: germline.

Athena Diagnostics
Classification: Benign. Last evaluated: 2021-06-08. Review status: criteria provided, single submitter. Criteria: Athena Diagnostics criteria. Collection method: clinical testing. Allele origin: unknown.

Illumina Laboratory Services, Illumina
Classification: Benign for Amyotrophic lateral sclerosis type 4. Last evaluated: 2018-01-13. Review status: criteria provided, single submitter. Criteria: ICSL Variant Classification Criteria 13 December 2019. Collection method: clinical testing. Allele origin: germline.
Comment: This variant was observed in the ICSL laboratory as part of a predisposition screen in an ostensibly healthy population. It had not been previously curated by ICSL or reported in the Human Gene Mutation Database (HGMD: prior to June 1st, 2018), and was therefore a candidate for classification through an automated scoring system. Utilizing variant allele frequency, disease prevalence and penetrance estimates, and inheritance mode, an automated score was calculated to assess if this variant is too frequent to cause the disease. Based on the score and internal cut-off values, a variant classified as benign is not then subjected to further curation. The score for this variant resulted in a classification of benign for this disease.

Illumina Laboratory Services, Illumina
Classification: Likely benign for Spinocerebellar ataxia, autosomal recessive, with axonal neuropathy 2. Last evaluated: 2018-01-13. Review status: criteria provided, single submitter. Criteria: ICSL Variant Classification Criteria 13 December 2019. Collection method: clinical testing. Allele origin: germline.
Comment: This variant was observed in the ICSL laboratory as part of a predisposition screen in an ostensibly healthy population. It had not been previously curated by ICSL or reported in the Human Gene Mutation Database (HGMD: prior to June 1st, 2018), and was therefore a candidate for classification through an automated scoring system. Utilizing variant allele frequency, disease prevalence and penetrance estimates, and inheritance mode, an automated score was calculated to assess if this variant is too frequent to cause the disease. Based on the score and internal cut-off values, a variant classified as likely benign is not then subjected to further curation. The score for this variant resulted in a classification of likely benign for this disease.

NM_015046.7(SETX):c.4204A>T (p.Thr1402Ser)

Gene: SETX (senataxin; minus strand). Cytogenetic location: 9q34.13.
Variant type: single nucleotide variant.
Coding change: c.4204A>T on transcript NM_015046.7 (MANE Select); coding-DNA position 4204, A replaced by T.
Protein change: p.Thr1402Ser; replaces threonine 1402 with serine.
Molecular consequence: missense variant.
Genome position (GRCh38, 1-based): chr9:132,327,394, T>A on the plus strand (A>T on the coding strand, the complement: SETX is on the minus strand). VCF-style: chr9-132327394-T-A. GRCh37 (hg19) VCF-style: chr9-135202781-T-A.
Other names: p.Thr1402Ser; c.4204A>T, p.Thr1402Ser (NM_001351527.2, NM_001351528.2); short protein forms T1402S.
Identifiers: ClinVar variation 365354 (VCV000365354.17), dbSNP rs150421712, ClinGen allele CA5297247.
Genomic context (GRCh38, chr9:132,327,394, plus strand): 5'-CTGGTTCAGAAGGCATGCATTTTATTAACTGTTTTCTGTTACTGTTGGCAAGTACCTCAG[T>A]TCCTCCTGTACAATTATAATCTGACCTATCAGATTCTGGTACAAATATGTCAGAATTCTG-3'
Protein context (NP_055861.3, residues 1392-1412): DRSDYNCTGG[Thr1402Ser]EVLANSNRKQ